The following is an entry in ClinVar:

NM_000093.5(COL5A1):c.4612C>A (p.Pro1538Thr)

Genes: COL5A1 (collagen type V alpha 1 chain; plus strand), LOC101448202 (uncharacterized LOC101448202; minus strand). Cytogenetic location: 9q34.3.
Variant type: single nucleotide variant.
Coding change: c.4612C>A on transcript NM_000093.5 (MANE Select); coding-DNA position 4612, C replaced by A.
Protein change: p.Pro1538Thr; replaces proline 1538 with threonine.
Molecular consequence: missense variant.
Genome position (GRCh38, 1-based): chr9:134,823,001, C>A. VCF-style: chr9-134823001-C-A. GRCh37 (hg19) VCF-style: chr9-137714847-C-A.
Other names: c.4612C>A, p.Pro1538Thr (NM_001278074.1); short protein forms P1538T.
Identifiers: ClinVar variation 459699 (VCV000459699.10), dbSNP rs1554807720, ClinGen allele CA375458076.
Genomic context (GRCh38, chr9:134,823,001, plus strand): 5'-CGGTGGGGCTGGAGCTGAGACCCGGCTTGCTGACGTTCTGCCCTCCTCTCTCTGCAGGGT[C>A]CGCCTGGTCCAAAAGGTGCTAAGGGCTCCTCGGTAAGTAACATGCTGCCCAGCCAGGCCA-3'
Protein context (NP_000084.3, residues 1528-1548): GPPGPPGLPG[Pro1538Thr]PGPKGAKGSS

ClinVar aggregate classification (germline): Uncertain significance (1 of 4 stars; one submission).

Conditions:
Ehlers-Danlos syndrome, classic type, 1 (EDSCL1). Also called: EHLERS-DANLOS SYNDROME, GRAVIS TYPE; EHLERS-DANLOS SYNDROME, SEVERE CLASSIC TYPE; EDS I; Ehlers-Danlos Syndrome, Classic Type, COL5A1-Related; Ehlers-Danlos syndrome, type 1. Identifiers: MedGen C0268335, MONDO:0019567, OMIM 130000.

Submission:

Labcorp Genetics (formerly Invitae), Labcorp
Classification: Uncertain significance for Ehlers-Danlos syndrome, classic type, 1. Last evaluated: 2022-07-25. Review status: criteria provided, single submitter. Criteria: Invitae Variant Classification Sherloc (09022015). Collection method: clinical testing. Allele origin: germline.
Comment: In summary, the available evidence is currently insufficient to determine the role of this variant in disease. Therefore, it has been classified as a Variant of Uncertain Significance. Advanced modeling of protein sequence and biophysical properties (such as structural, functional, and spatial information, amino acid conservation, physicochemical variation, residue mobility, and thermodynamic stability) performed at Invitae indicates that this missense variant is not expected to disrupt COL5A1 protein function. ClinVar contains an entry for this variant (Variation ID: 459699). This variant has not been reported in the literature in individuals affected with COL5A1-related conditions. This variant is not present in population databases (gnomAD no frequency). This sequence change replaces proline, which is neutral and non-polar, with threonine, which is neutral and polar, at codon 1538 of the COL5A1 protein (p.Pro1538Thr).